The following is an entry in ClinVar:

NM_001034853.2(RPGR):c.1906G>A (p.Val636Met)

Gene: RPGR (retinitis pigmentosa GTPase regulator; minus strand). Cytogenetic location: Xp11.4.
Variant type: single nucleotide variant.
Coding change: c.1906G>A on transcript NM_001034853.2 (MANE Select); coding-DNA position 1906, G replaced by A.
Protein change: p.Val636Met; replaces valine 636 with methionine.
Molecular consequence: missense variant. On other transcripts: intron variant (5), splice donor variant (3).
Genome position (GRCh38, 1-based): chrX:38,287,093, C>T on the plus strand (G>A on the coding strand, the complement: RPGR is on the minus strand). VCF-style: chrX-38287093-C-T. GRCh37 (hg19) VCF-style: chrX-38146346-C-T.
Other names: c.1569+3866G>A (NM_001367249.1, NM_001367250.1); c.1902+1G>A (NM_001367245.1); c.1386+3866G>A (NM_001367251.1); c.1719+1G>A (NM_001367246.1); c.1572+3866G>A (NM_001367247.1); c.1905+1G>A (NM_000328.3); c.1602+3866G>A (NM_001367248.1); short protein forms V636M.
Identifiers: ClinVar variation 2430216 (VCV002430216.4), dbSNP rs2519794803, ClinGen allele CA412732299.
Genomic context (GRCh38, chrX:38,287,093, plus strand): 5'-CCCCTCTACCTTCAGGCCCATCCTCTGCTTCTCCCACTGATTTTGCCTTGCCTTCACTCA[C>T]CTCTGCTTTGTCTGTAAGGTCATCTGATAGGATCTCTGTTTTCTCCTTTCTTCCTCCATG-3'
Protein context (NP_001030025.1, residues 626-646): LSDDLTDKAE[Val636Met]SEGKAKSVGE

ClinVar aggregate classification (germline): Uncertain significance (1 of 4 stars; one submission).

Conditions:
RPGR-related disorder. Also called: RPGR-related condition.

Allele frequency attached by ClinVar (database versions not stated): gnomAD exomes below 0.00001.

Submission:

PreventionGenetics, part of Exact Sciences
Classification: Uncertain significance for RPGR-related condition. Last evaluated: 2026-06-15. Review status: criteria provided, single submitter. Criteria: ACMG Guidelines, 2015. Collection method: clinical testing. Allele origin: germline.
Comment: The RPGR c.1905+1G>A variant is predicted to disrupt the GT donor site and interfere with normal splicing. In the alternative transcript, NM_000328, this variant is predicted to result in a splice variant, c.1905+1G>A. This variant has been reported in two females with retinopathy or poor vision, developmental delay, obesity, and polydactyly (Table S1, AlAbdi et al. 2023. PubMed ID: 37644014); however, the zygosity in these two females are unclear and the authors have noted that this variant has been observed as homozygous in health individuals (data not available). This variant has not been reported in a large population database, indicating this variant is rare. To our knowledge, loss-of-function of function variants specific to the alternative transcript (i.e. NM_000328) has not been an established mechanism of disease. At this time, the clinical significance of this variant is uncertain at this time due to the absence of conclusive functional and genetic evidence.